The following is an entry in ClinVar:

ClinVar aggregate classification (germline): Pathogenic. Review status: criteria provided, multiple submitters, no conflicts (2 of 4 stars). 2 submissions from 2 submitters: Pathogenic (2). Last evaluated 2025-03-04.

Conditions:
Peutz-Jeghers syndrome (PJS). Also called: POLYPOSIS, HAMARTOMATOUS INTESTINAL; POLYPS-AND-SPOTS SYNDROME; Peutz-Jeghers polyposis; Periorificial lentiginosis syndrome. Identifiers: Orphanet 2869, MedGen C0031269, MeSH D010580, MONDO:0008280, OMIM 175200.

Submissions (2):

Dasa
Classification: Pathogenic. Last evaluated: 2025-03-04. Review status: criteria provided, single submitter. Criteria: DASA Assertion Criteria. Collection method: clinical testing. Allele origin: germline.
Comment: NM_000455.5(STK11):c.920+2T>G affects a canonical splice donor site and is predicted to disrupt normal splicing, leading to loss of normal protein function. Loss-of-function is an established mechanism of disease for this gene. The variant is present at low frequency in population datasets and has been reported in individuals with Peutz-Jeghers syndrome. Based on the available data, this variant is classified as pathogenic.

Department of Clinical Genetics, Copenhagen University Hospital, Rigshospitalet
Classification: Pathogenic for Peutz-Jeghers syndrome. Last evaluated: 2025-01-10. Review status: criteria provided, single submitter. Criteria: ACMG Guidelines, 2015. Collection method: clinical testing. Allele origin: germline. Affected: yes.
Comment: The following ACMG criteria was used: PVS1; PM2_SUP; PS4_SUP

Literature cited by the submitters: PubMed 37017260 (cited by Department of Clinical Genetics, Copenhagen University Hospital, Rigshospitalet).

NM_000455.5(STK11):c.920+2T>G

Gene: STK11 (serine/threonine kinase 11; plus strand). Cytogenetic location: 19p13.3.
Variant type: single nucleotide variant.
Coding change: c.920+2T>G on transcript NM_000455.5 (MANE Select); the canonical splice donor site of the intron after coding-DNA position 920, T replaced by G.
Molecular consequence: splice donor variant.
Genome position (GRCh38, 1-based): chr19:1,222,008, T>G. VCF-style: chr19-1222008-T-G. GRCh37 (hg19) VCF-style: chr19-1222007-T-G.
Other names: c.920+2T>G (NM_001407255.1).
Identifiers: ClinVar variation 3600335 (VCV003600335.2).